The following is an entry in ClinVar:

ClinVar aggregate classification (germline): Uncertain significance (1 of 4 stars; one submission).

Allele frequency attached by ClinVar (database versions not stated): gnomAD exomes below 0.00001; TOPMed 0.00001; gnomAD 0.00002.

Submission:

Labcorp Genetics (formerly Invitae), Labcorp
Classification: Uncertain significance. Last evaluated: 2022-03-19. Review status: criteria provided, single submitter. Criteria: Invitae Variant Classification Sherloc (09022015). Collection method: clinical testing. Allele origin: germline.
Comment: This variant has not been reported in the literature in individuals affected with TBCK-related conditions. This variant is not present in population databases (gnomAD no frequency). This sequence change replaces proline, which is neutral and non-polar, with leucine, which is neutral and non-polar, at codon 119 of the TBCK protein (p.Pro119Leu). Algorithms developed to predict the effect of missense changes on protein structure and function (SIFT, PolyPhen-2, Align-GVGD) all suggest that this variant is likely to be tolerated. In summary, the available evidence is currently insufficient to determine the role of this variant in disease. Therefore, it has been classified as a Variant of Uncertain Significance.

NM_001163435.3(TBCK):c.356C>T (p.Pro119Leu)

Gene: TBCK (TBC1 domain containing kinase; minus strand). Cytogenetic location: 4q24.
Variant type: single nucleotide variant.
Coding change: c.356C>T on transcript NM_001163435.3 (MANE Select); coding-DNA position 356, C replaced by T.
Protein change: p.Pro119Leu; replaces proline 119 with leucine.
Molecular consequence: missense variant. On other transcripts: 5 prime UTR variant (1), intron variant (1).
Genome position (GRCh38, 1-based): chr4:106,262,123, G>A on the plus strand (C>T on the coding strand, the complement: TBCK is on the minus strand). VCF-style: chr4-106262123-G-A. GRCh37 (hg19) VCF-style: chr4-107183280-G-A.
Other names: c.356C>T, p.Pro119Leu (NM_001163436.4, NM_001163437.3); c.-262C>T (NM_001290768.2); c.267-10116C>T (NM_033115.5); short protein forms P119L.
Identifiers: ClinVar variation 1417859 (VCV001417859.7), dbSNP rs906105497, ClinGen allele CA103416677.
Genomic context (GRCh38, chr4:106,262,123, plus strand): 5'-ATATATAAATATTTATTACATGATTTAACAATTACCTTTCGGTCCAACAGGATATTATGA[G>A]GAGACAATGCCCTGTGTACTATACCATGTTTGTTCATATACTGCAAGCCCTGAAGAACCT-3'
Protein context (NP_001156907.2, residues 109-129): KHGIVHRALS[Pro119Leu]HNILLDRKGH